The following is an entry in ClinVar:

NM_177438.3(DICER1):c.1322_1323insA (p.Leu442fs)

Gene: DICER1 (dicer 1, ribonuclease III; minus strand). Cytogenetic location: 14q32.13.
Variant type: Insertion.
Coding change: c.1322_1323insA on transcript NM_177438.3 (MANE Select); coding-DNA positions 1322 to 1323, A inserted.
Protein change: p.Leu442fs; shifts the reading frame from leucine 442.
Molecular consequence: frameshift variant.
Genome position: GRCh38 VCF-style: chr14-95124249-A-AT. GRCh37 (hg19) VCF-style: chr14-95590586-A-AT.
Other names: c.1322_1323insA, p.Leu442fs (NM_001195573.1, NM_001271282.3, NM_001291628.2 and 1 more transcripts); short protein forms L442fs.
Identifiers: ClinVar variation 1418671 (VCV001418671.7), dbSNP rs2140201228, ClinGen allele CA2573150331.

ClinVar aggregate classification (germline): Pathogenic (1 of 4 stars; one submission).

Conditions:
DICER1-related tumor predisposition. Also called: DICER1-related pleuropulmonary blastoma cancer predisposition syndrome; DICER1 syndrome. Identifiers: Orphanet 284343, MedGen C3839822, MONDO:0100216.

Submission:

Labcorp Genetics (formerly Invitae), Labcorp
Classification: Pathogenic for DICER1-related tumor predisposition. Last evaluated: 2020-11-25. Review status: criteria provided, single submitter. Criteria: Invitae Variant Classification Sherloc (09022015). Collection method: clinical testing. Allele origin: germline.
Comment: For these reasons, this variant has been classified as Pathogenic. This variant has not been reported in the literature in individuals with DICER1-related conditions. This variant is not present in population databases (ExAC no frequency). This sequence change creates a premature translational stop signal (p.Leu442Phefs*35) in the DICER1 gene. It is expected to result in an absent or disrupted protein product. Loss-of-function variants in DICER1 are known to be pathogenic (PMID: 19556464, 21266384).

Literature cited by the submitters: PubMed 19556464; PubMed 21266384.